The following is an entry in ClinVar:

NM_000329.3(RPE65):c.917C>T (p.Thr306Ile)

Gene: RPE65 (retinoid isomerohydrolase RPE65; minus strand). Cytogenetic location: 1p31.3.
Variant type: single nucleotide variant.
Coding change: c.917C>T on transcript NM_000329.3 (MANE Select); coding-DNA position 917, C replaced by T.
Protein change: p.Thr306Ile; replaces threonine 306 with isoleucine.
Molecular consequence: missense variant.
Genome position (GRCh38, 1-based): chr1:68,439,023, G>A on the plus strand (C>T on the coding strand, the complement: RPE65 is on the minus strand). VCF-style: chr1-68439023-G-A. GRCh37 (hg19) VCF-style: chr1-68904706-G-A.
Other names: NM_000329.3(RPE65):c.917C>T; p.Thr306Ile; short protein forms T306I.
Identifiers: ClinVar variation 942448 (VCV000942448.15), dbSNP rs1171545533, ClinGen allele CA340744901.

ClinVar aggregate classification (germline): Likely pathogenic. Review status: reviewed by expert panel (3 of 4 stars). 7 submissions from 7 submitters: Likely pathogenic (1). 6 of the submissions do not count toward it. Last evaluated 2024-12-12.

Conditions:
RPE65-related recessive retinopathy. Also called: Recessive RPE65 retinopathy. Identifiers: MedGen CN305526, MONDO:0100368.
RPE65-related disorder. Also called: RPE65-related condition; RPE65-related disorders. Identifiers: MedGen CN239301.
Leber congenital amaurosis (LCA). Also called: Leber's amaurosis. Identifiers: Orphanet 65, MedGen C0339527, MeSH D057130, MONDO:0018998.
Leber congenital amaurosis 2 (LCA2). Also called: AMAUROSIS CONGENITA OF LEBER II; Autosomal Recessive RPE65-Related Retinal Degeneration. Identifiers: Orphanet 65, MedGen C1859844, MONDO:0008765, OMIM 204100. Disease mechanism: loss of function.
Retinitis pigmentosa 20 (RP20). Identifiers: Orphanet 791, MedGen C3151086, MONDO:0013425, OMIM 613794.

Allele frequency attached by ClinVar (database versions not stated): gnomAD 0.00001; gnomAD exomes 0.00001.
gnomAD v4.1: 14 of 1,613,986 alleles (0.00087%); highest among the groups gnomAD compares: Admixed American, 0.0017%; no homozygotes.

Submissions (7):

ClinGen Leber Congenital Amaurosis/early Onset Retinal Dystrophy Variant Curation Expert Panel, ClinGen
Classification: Likely pathogenic for RPE65-related recessive retinopathy. Last evaluated: 2024-12-12. Review status: reviewed by expert panel. Criteria: ClinGen LCAeoRD ACMG Specifications RPE65 V1.0.0. Collection method: curation. Allele origin: germline. Inheritance: Autosomal recessive inheritance.
Comment: The NM_000329.3(RPE65):c.917C>T (p.Thr306Ile) variant is a missense variant in RPE65 causing a substitution of threonine with isoleucine at position 306. This variant is present in gnomAD v.4.1.0 at a Grpmax allele frequency of 0.000005420 with 12 alleles / 1179962 total alleles in the European (non-Finnish) population, which is lower than the ClinGen LCA/eoRD VCEP PM2_Supporting threshold of <0.0002 (PM2_Supporting). The computational predictor REVEL gives a score of 0.962, which is above the ClinGen LCA/eoRD VCEP threshold of ≥ 0.773 and predicts a damaging effect on RPE65 function (PP3_Moderate). This variant has been reported in at least 1 proband with early-onset severe retinal dystrophy who was homozygous for the variant (0.5 points, PMIDs: 38465142). This variant has also been reported in at least 3 probands with early-onset severe retinal dystrophy who were compound heterozygous with the c.912C>A, p.Y304* variant confirmed in trans, the c.1022T>C p.Leu341Ser variant confirmed in trans, or the c.94G>T p.Gly32Cys variant suspected in trans (2.25 points, PMIDs: 34830511, 34492281, 35129589), which were previously classified pathogenic or likely pathogenic by the ClinGen LCA/eoRD VCEP (2.75 total points, PM3_Strong). At least one proband harboring this variant exhibits a phenotype including severely decreased ERG (0.5 pt), decreased central visual acuity (1 pt), symptomatic onset between birth and age five years (1 pt), congenital night blindness (0.5 pt), salt and pepper pigmentation (0.5 pt), and visual field reduction (1 pt)(4.5 points, PMID: 34492281, PP4). In summary, this variant meets the criteria to be classified as Likely Pathogenic for RPE65-related recessive retinopathy based on the ACMG/AMP criteria applied, as specified by the ClinGen LCA / eoRD VCEP: PM2_Supporting, PP3_Moderate, PM3_Strong, PP4 (VCEP specifications version 1.0.0; date of approval 09/21/2023).

Natera, Inc.
Classification: Likely pathogenic for Leber congenital amaurosis. Last evaluated: 2026-01-16. Review status: criteria provided, single submitter. Criteria: Natera Variant Classification Schema (03/2026). Collection method: clinical testing. Allele origin: germline. Not counted in ClinVar's aggregate classification.
Comment: The c.917C>T variant in RPE65 is a missense variant predicted to cause substitution of threonine to isoleucine at amino acid 306. This variant is rare in the general population with a frequency below the threshold expected for the associated phenotype(s). This variant has been observed in one or more individuals affected with the associated recessive disease, as either homozygous or compound heterozygous with a second variant (PMID: 38465142, 35129589, 30902645, 31630094, 34830511). Computational prediction algorithms indicate this variant is likely to affect gene or protein function. Given the available evidence, this variant is classified as Likely Pathogenic.

Women's Health and Genetics/Laboratory Corporation of America, LabCorp
Classification: Pathogenic for Leber congenital amaurosis. Last evaluated: 2025-03-26. Review status: criteria provided, single submitter. Criteria: LabCorp Variant Classification Summary - May 2015. Collection method: clinical testing. Allele origin: germline. Not counted in ClinVar's aggregate classification.
Comment: Variant summary: RPE65 c.917C>T (p.Thr306Ile) results in a non-conservative amino acid change in the encoded protein sequence. Five of five in-silico tools predict a damaging effect of the variant on protein function. The variant was absent in 251404 control chromosomes. c.917C>T has been reported in the homozygous and presumed/confirmed compound heterozygous state in the literature in multiple individuals affected with RPE65-related inherited retinal dystrophies (example, Lopez-Rodriguez_2021, Sahin_2024, Shi_2021, Testa_2022, Labcorp Genetics (formerly Invitae)). These data indicate that the variant is very likely to be associated with disease. To our knowledge, no experimental evidence demonstrating an impact on protein function has been reported. The following publications have been ascertained in the context of this evaluation (PMID: 25356976, 36460718, 34492281, 30902645, 38465142, 34830511, 35129589, 31630094). ClinVar contains an entry for this variant (Variation ID: 942448). Based on the evidence outlined above, the variant was classified as pathogenic.

Baylor Genetics
Classification: Likely pathogenic for Leber congenital amaurosis 2. Last evaluated: 2023-11-13. Review status: criteria provided, single submitter. Criteria: ACMG Guidelines, 2015. Collection method: clinical testing. Allele origin: unknown. Not counted in ClinVar's aggregate classification.

Labcorp Genetics (formerly Invitae), Labcorp
Classification: Pathogenic for Leber congenital amaurosis 2; Retinitis pigmentosa 20. Last evaluated: 2023-09-06. Review status: criteria provided, single submitter. Criteria: Invitae Variant Classification Sherloc (09022015). Collection method: clinical testing. Allele origin: germline. Not counted in ClinVar's aggregate classification.
Comment: This sequence change replaces threonine, which is neutral and polar, with isoleucine, which is neutral and non-polar, at codon 306 of the RPE65 protein (p.Thr306Ile). This variant is present in population databases (no rsID available, gnomAD 0.007%). This missense change has been observed in individual(s) with autosomal recessive Leber congenital amaurosis or retinitis pigmentosa (PMID: 25356976, 31630094; Invitae). In at least one individual the data is consistent with being in trans (on the opposite chromosome) from a pathogenic variant. ClinVar contains an entry for this variant (Variation ID: 942448). Advanced modeling of protein sequence and biophysical properties (such as structural, functional, and spatial information, amino acid conservation, physicochemical variation, residue mobility, and thermodynamic stability) performed at Invitae indicates that this missense variant is not expected to disrupt RPE65 protein function. For these reasons, this variant has been classified as Pathogenic.

Blueprint Genetics
Classification: Pathogenic for RPE65-related disorders. Last evaluated: 2021-06-11. Review status: criteria provided, single submitter. Criteria: ACMG Guidelines, 2015. Collection method: clinical testing. Allele origin: germline. Affected: yes. Observed: 1 variant allele. Not counted in ClinVar's aggregate classification.

Juno Genomics, Hangzhou Juno Genomics, Inc
Classification: Pathogenic for Retinitis pigmentosa 20. Review status: criteria provided, single submitter. Criteria: ACMG Guidelines, 2015. Collection method: clinical testing. Allele origin: germline. Not counted in ClinVar's aggregate classification.
Comment: Absent from controls (or at extremely low frequency if recessive) in Genome Aggregation Database.;Multiple lines of computational evidence support a deleterious effect on the gene or gene product.;For recessive disorders, detected in trans with a pathogenic variant.;Patient's phenotype or family history is highly specific for a disease with a single genetic etiology.

Literature cited by the submitters: PubMed 38465142 (cited by Natera, Inc. and Women's Health and Genetics/Laboratory Corporation of America, LabCorp); PubMed 35129589 (cited by Natera, Inc. and Women's Health and Genetics/Laboratory Corporation of America, LabCorp); PubMed 30902645 (cited by Natera, Inc. and Women's Health and Genetics/Laboratory Corporation of America, LabCorp); PubMed 31630094 (cited by 3 submitters); PubMed 34830511 (cited by Natera, Inc. and Women's Health and Genetics/Laboratory Corporation of America, LabCorp); PubMed 25356976 (cited by Women's Health and Genetics/Laboratory Corporation of America, LabCorp and Labcorp Genetics (formerly Invitae), Labcorp); PubMed 34492281 (cited by Women's Health and Genetics/Laboratory Corporation of America, LabCorp); PubMed 36460718 (cited by Women's Health and Genetics/Laboratory Corporation of America, LabCorp).